The following is an entry in ClinVar:

ClinVar aggregate classification (germline): Likely benign (1 of 4 stars; one submission).

Allele frequency attached by ClinVar (database versions not stated): TOPMed below 0.00001; ExAC 0.00001; gnomAD exomes 0.00001 and 0.00006.
gnomAD v4.1: 62 of 1,211,494 alleles (0.0051%); highest among the groups gnomAD compares: Non-Finnish European, 0.0065%; no homozygotes.

Submission:

Women's Health and Genetics/Laboratory Corporation of America, LabCorp
Classification: Likely benign. Last evaluated: 2024-08-19. Review status: criteria provided, single submitter. Criteria: LabCorp Variant Classification Summary - May 2015. Collection method: clinical testing. Allele origin: germline.
Comment: Variant summary: PTCHD1 c.583G>A (p.Val195Ile) results in a conservative amino acid change in the encoded protein sequence. Three of five in-silico tools predict a damaging effect of the variant on protein function. The variant allele was found at a frequency of 5.1e-05 in 1211494 control chromosomes including 25 hemizygotes (gnomAD database v4), suggesting a benign role for this variant. c.583G>A has been reported in the literature in individuals affected with Autism, Susceptibility To, X-Linked 4 without evidence for causality (Noor_2010). These report(s) do not provide unequivocal conclusions about association of the variant with Autism, Susceptibility To, X-Linked 4. At least one publication reports experimental evidence evaluating an impact on protein function. These results showed no damaging effect of this variant (Helawa_2020). ClinVar contains an entry for this variant (Variation ID: 1343755). Based on the evidence outlined above, the variant was classified as likely benign.

Literature cited by the submitters: PubMed 33856728; PubMed 20844286.

NM_173495.3(PTCHD1):c.583G>A (p.Val195Ile)

Gene: PTCHD1 (patched domain containing 1; plus strand). Cytogenetic location: Xp22.11.
Variant type: single nucleotide variant.
Coding change: c.583G>A on transcript NM_173495.3 (MANE Select); coding-DNA position 583, G replaced by A.
Protein change: p.Val195Ile; replaces valine 195 with isoleucine.
Molecular consequence: missense variant.
Genome position (GRCh38, 1-based): chrX:23,379,822, G>A. VCF-style: chrX-23379822-G-A. GRCh37 (hg19) VCF-style: chrX-23397939-G-A.
Other names: short protein forms V195I.
Identifiers: ClinVar variation 1343755 (VCV001343755.2), dbSNP rs769407241, ClinGen allele CA10369050.
Genomic context (GRCh38, chrX:23,379,822, plus strand): 5'-TACCCAATCACTCACTTAAAGGACGGGAGGGCTGTGTACAATGGGCACCAGCTTGGGGGC[G>A]TCACTGTGCACAGCAAAGACCGGGTGAAATCTGCAGAGGCCATCCAGCTCACCTACTACC-3'
Protein context (NP_775766.2, residues 185-205): AVYNGHQLGG[Val195Ile]TVHSKDRVKS